The following is an entry in ClinVar:

ClinVar aggregate classification (germline): Uncertain significance (1 of 4 stars; one submission).

Submission:

Ambry Genetics
Classification: Uncertain significance. Last evaluated: 2024-05-10. Review status: criteria provided, single submitter. Criteria: Ambry Variant Classification Scheme 2023. Collection method: clinical testing. Allele origin: germline.
Comment: The p.K218M variant (also known as c.653A>T), located in coding exon 5 of the BUB3 gene, results from an A to T substitution at nucleotide position 653. The lysine at codon 218 is replaced by methionine, an amino acid with similar properties. This amino acid position is conserved. In addition, the in silico prediction for this alteration is inconclusive. Based on the available evidence, the clinical significance of this variant remains unclear.

NM_004725.4(BUB3):c.653A>T (p.Lys218Met)

Gene: BUB3 (BUB3 mitotic checkpoint protein; plus strand). Cytogenetic location: 10q26.13.
Variant type: single nucleotide variant.
Coding change: c.653A>T on transcript NM_004725.4 (MANE Select); coding-DNA position 653, A replaced by T.
Protein change: p.Lys218Met; replaces lysine 218 with methionine.
Molecular consequence: missense variant.
Genome position (GRCh38, 1-based): chr10:123,162,312, A>T. VCF-style: chr10-123162312-A-T. GRCh37 (hg19) VCF-style: chr10-124921828-A-T.
Other names: c.653A>T, p.Lys218Met (NM_001007793.3); short protein forms K218M.
Identifiers: ClinVar variation 3262307 (VCV003262307.1).
Genomic context (GRCh38, chr10:123,162,312, plus strand): 5'-CTATTGAAGGCCGAGTGGCAGTTGAGTATTTGGACCCAAGCCCTGAGGTACAGAAGAAGA[A>T]GTATGCCTTCAAATGTCACAGACTAAAAGAAAATAATATTGAGCAGATTTACCCAGTCAA-3'
Protein context (NP_004716.1, residues 208-228): LDPSPEVQKK[Lys218Met]YAFKCHRLKE